The following is an entry in ClinVar:

ClinVar aggregate classification (germline): Uncertain significance (1 of 4 stars; one submission).

Allele frequency attached by ClinVar (database versions not stated): TOPMed below 0.00001; gnomAD exomes 0.00001.
gnomAD v4.1: 7 of 1,550,226 alleles (0.00045%); highest among the groups gnomAD compares: Admixed American, 0.0039%; no homozygotes.

Submission:

Labcorp Genetics (formerly Invitae), Labcorp
Classification: Uncertain significance. Last evaluated: 2022-02-17. Review status: criteria provided, single submitter. Criteria: Invitae Variant Classification Sherloc (09022015). Collection method: clinical testing. Allele origin: germline.
Comment: In summary, the available evidence is currently insufficient to determine the role of this variant in disease. Therefore, it has been classified as a Variant of Uncertain Significance. This sequence change replaces proline, which is neutral and non-polar, with serine, which is neutral and polar, at codon 1688 of the ZNF469 protein (p.Pro1688Ser). This variant is present in population databases (no rsID available, gnomAD 0.008%). This variant has not been reported in the literature in individuals affected with ZNF469-related conditions. Algorithms developed to predict the effect of missense changes on protein structure and function (SIFT, PolyPhen-2, Align-GVGD) all suggest that this variant is likely to be tolerated. Algorithms developed to predict the effect of sequence changes on RNA splicing suggest that this variant may create or strengthen a splice site.

NM_001367624.2(ZNF469):c.5146C>T (p.Pro1716Ser)

Gene: ZNF469 (zinc finger protein 469; plus strand). Cytogenetic location: 16q24.2.
Variant type: single nucleotide variant.
Coding change: c.5146C>T on transcript NM_001367624.2 (MANE Select); coding-DNA position 5146, C replaced by T.
Protein change: p.Pro1716Ser; replaces proline 1716 with serine.
Molecular consequence: missense variant.
Genome position (GRCh38, 1-based): chr16:88,432,616, C>T. VCF-style: chr16-88432616-C-T. GRCh37 (hg19) VCF-style: chr16-88499024-C-T.
Other names: short protein forms P1716S.
Identifiers: ClinVar variation 1501306 (VCV001501306.4), dbSNP rs1295739660, ClinGen allele CA397095537.
Genomic context (GRCh38, chr16:88,432,616, plus strand): 5'-CCAGTGCAGAAAGCCGGAGCCTCCAAGACTGGACTTTGCCAGGCAGAAGGAGACAGCAGG[C>T]CCCCCCAAGATGTCTGCCTGCCTGAGCCCAGCAAGCAGCCTGGCCCACAGCTGGATGCCG-3'
Protein context (NP_001354553.1, residues 1706-1726): GLCQAEGDSR[Pro1716Ser]PQDVCLPEPS